The following is an entry in ClinVar:

NM_000051.4(ATM):c.4004T>G (p.Leu1335Ter)

Gene: ATM (ATM serine/threonine kinase; plus strand). Cytogenetic location: 11q22.3.
Variant type: single nucleotide variant.
Coding change: c.4004T>G on transcript NM_000051.4 (MANE Select); coding-DNA position 4004, T replaced by G.
Protein change: p.Leu1335Ter; replaces leucine 1335 with a stop codon.
Molecular consequence: nonsense.
Genome position (GRCh38, 1-based): chr11:108,287,610, T>G. VCF-style: chr11-108287610-T-G. GRCh37 (hg19) VCF-style: chr11-108158337-T-G.
Other names: c.4004T>G, p.Leu1335Ter (NM_001351834.2); short protein forms L1335*.
Identifiers: ClinVar variation 3148038 (VCV003148038.1), dbSNP rs2082558148, ClinGen allele CA382527487.

ClinVar aggregate classification (germline): Pathogenic (1 of 4 stars; one submission).

Conditions:
Familial cancer of breast. Also called: BREAST CANCER, FAMILIAL; Hereditary breast cancer; hereditary breast carcinoma. Identifiers: Orphanet 227535, MedGen C0346153, MONDO:0016419, OMIM 114480. Disease mechanism: loss of function.

Submission:

Myriad Genetics, Inc.
Classification: Pathogenic for Familial cancer of breast. Last evaluated: 2024-01-23. Review status: criteria provided, single submitter. Criteria: Myriad Autosomal Dominant, Autosomal Recessive and X-Linked Classification Criteria (2023). Collection method: clinical testing. Allele origin: unknown.
Comment: This variant is considered pathogenic. This variant creates a termination codon and is predicted to result in premature protein truncation.